The following is an entry in ClinVar:

NM_003745.2(SOCS1):c.398G>C (p.Gly133Ala)

Gene: SOCS1 (suppressor of cytokine signaling 1; minus strand). Cytogenetic location: 16p13.13.
Variant type: single nucleotide variant.
Coding change: c.398G>C on transcript NM_003745.2 (MANE Select); coding-DNA position 398, G replaced by C.
Protein change: p.Gly133Ala; replaces glycine 133 with alanine.
Molecular consequence: missense variant.
Genome position (GRCh38, 1-based): chr16:11,255,081, C>G on the plus strand (G>C on the coding strand, the complement: SOCS1 is on the minus strand). VCF-style: chr16-11255081-C-G. GRCh37 (hg19) VCF-style: chr16-11348938-C-G.
Other names: short protein forms G133A.
Identifiers: ClinVar variation 135274 (VCV000135274.1), dbSNP rs587778693, ClinGen allele CA162194.

ClinVar aggregate classification (germline): not provided (0 of 4 stars; one submission).

Allele frequency attached by ClinVar (database versions not stated): TOPMed 0.00001.

Submission:

ITMI
No classification provided. Condition: AllHighlyPenetrant. Last evaluated: 2013-09-19. Review status: no classification provided. Collection method: reference population. Allele origin: germline.
Comment: Please see associated publication for description of ethnicities

Literature cited by the submitters: PubMed 24728327.